The following is an entry in ClinVar:

ClinVar aggregate classification (germline): Uncertain significance (1 of 4 stars; one submission).

Submission:

GeneDx
Classification: Uncertain significance. Last evaluated: 2024-09-11. Review status: criteria provided, single submitter. Criteria: GeneDx Variant Classification Process June 2021. Collection method: clinical testing. Allele origin: germline. Affected: yes.
Comment: Not observed at significant frequency in large population cohorts (gnomAD); In silico analysis supports that this missense variant has a deleterious effect on protein structure/function; This variant is associated with the following publications: (PMID: 27000522)

NM_000238.4(KCNH2):c.2075C>A (p.Pro692His)

Gene: KCNH2 (potassium voltage-gated channel subfamily H member 2; minus strand). Cytogenetic location: 7q36.1.
Variant type: single nucleotide variant.
Coding change: c.2075C>A on transcript NM_000238.4 (MANE Select); coding-DNA position 2075, C replaced by A.
Protein change: p.Pro692His; replaces proline 692 with histidine.
Molecular consequence: missense variant. On other transcripts: non-coding transcript variant (2).
Genome position (GRCh38, 1-based): chr7:150,950,991, G>T on the plus strand (C>A on the coding strand, the complement: KCNH2 is on the minus strand). VCF-style: chr7-150950991-G-T. GRCh37 (hg19) VCF-style: chr7-150648079-G-T.
Other names: c.1055C>A, p.Pro352His (NM_001204798.2, NM_172057.3); c.1787C>A, p.Pro596His (NM_001406753.1, NM_001406756.1); c.1898C>A, p.Pro633His (NM_001406755.1); c.1775C>A, p.Pro592His (NM_001406757.1); c.2075C>A, p.Pro692His (NM_172056.3); short protein forms P352H, P592H, P596H, P633H, P692H.
Identifiers: ClinVar variation 3769795 (VCV003769795.1).